The following is an entry in ClinVar:

ClinVar aggregate classification (germline): Uncertain significance (1 of 4 stars; one submission).

Submission:

Labcorp Genetics (formerly Invitae), Labcorp
Classification: Uncertain significance. Last evaluated: 2024-02-24. Review status: criteria provided, single submitter. Criteria: Invitae Variant Classification Sherloc (09022015). Collection method: clinical testing. Allele origin: germline.
Comment: This sequence change replaces alanine, which is neutral and non-polar, with valine, which is neutral and non-polar, at codon 32 of the ATP5D protein (p.Ala32Val). This variant is not present in population databases (gnomAD no frequency). This variant has not been reported in the literature in individuals affected with ATP5D-related conditions. Experimental studies and prediction algorithms are not available or were not evaluated, and the functional significance of this variant is currently unknown. In summary, the available evidence is currently insufficient to determine the role of this variant in disease. Therefore, it has been classified as a Variant of Uncertain Significance.

NM_001687.5(ATP5F1D):c.95C>T (p.Ala32Val)

Genes: ATP5F1D (ATP synthase F1 subunit delta; plus strand), LOC130062903 (ATAC-STARR-seq lymphoblastoid silent region 9673; plus strand). Cytogenetic location: 19p13.3.
Variant type: single nucleotide variant.
Coding change: c.95C>T on transcript NM_001687.5 (MANE Select); coding-DNA position 95, C replaced by T.
Protein change: p.Ala32Val; replaces alanine 32 with valine.
Molecular consequence: missense variant.
Genome position (GRCh38, 1-based): chr19:1,241,945, C>T. VCF-style: chr19-1241945-C-T. GRCh37 (hg19) VCF-style: chr19-1241944-C-T.
Other names: c.95C>T, p.Ala32Val (NM_001001975.2); short protein forms A32V.
Identifiers: ClinVar variation 3640259 (VCV003640259.2).